The following is an entry in ClinVar:

ClinVar aggregate classification (germline): Pathogenic (1 of 4 stars; one submission).

Submission:

Labcorp Genetics (formerly Invitae), Labcorp
Classification: Pathogenic. Last evaluated: 2023-11-14. Review status: criteria provided, single submitter. Criteria: Invitae Variant Classification Sherloc (09022015). Collection method: clinical testing. Allele origin: germline.
Comment: This sequence change creates a premature translational stop signal (p.Tyr3781*) in the LRP2 gene. It is expected to result in an absent or disrupted protein product. Loss-of-function variants in LRP2 are known to be pathogenic (PMID: 17632512, 25682901). This variant is not present in population databases (gnomAD no frequency). This variant has not been reported in the literature in individuals affected with LRP2-related conditions. For these reasons, this variant has been classified as Pathogenic.

Literature cited by the submitters: PubMed 17632512; PubMed 25682901.

NM_004525.3(LRP2):c.11343C>A (p.Tyr3781Ter)

Gene: LRP2 (LDL receptor related protein 2; minus strand). Cytogenetic location: 2q31.1.
Variant type: single nucleotide variant.
Coding change: c.11343C>A on transcript NM_004525.3 (MANE Select); coding-DNA position 11343, C replaced by A.
Protein change: p.Tyr3781Ter; replaces tyrosine 3781 with a stop codon.
Molecular consequence: nonsense.
Genome position (GRCh38, 1-based): chr2:169,170,588, G>T on the plus strand (C>A on the coding strand, the complement: LRP2 is on the minus strand). VCF-style: chr2-169170588-G-T. GRCh37 (hg19) VCF-style: chr2-170027098-G-T.
Other names: short protein forms Y3781*.
Identifiers: ClinVar variation 2695836 (VCV002695836.3), dbSNP rs2545718479, ClinGen allele CA349142109.
Genomic context (GRCh38, chr2:169,170,588, plus strand): 5'-TAAGCTTCTCAAATGACAGTTACCACAGTCCCGTTCATCTGAGTTGTCCCCACAGTCGTT[G>T]TAATGGTCACAGATCCATCGCGAGGGAATGCACTGCTGATTGACACATCGAAACTCGCTC-3'